The following is an entry in ClinVar:

ClinVar aggregate classification (germline): Pathogenic (1 of 4 stars; one submission).

Conditions:
KBG syndrome (KBGS). Also called: ANKRD11-Related KBG Syndrome. Identifiers: Orphanet 2332, MedGen C0220687, MONDO:0007846, OMIM 148050.

Submission:

Baylor Genetics
Classification: Pathogenic for KBG syndrome. Last evaluated: 2017-09-01. Review status: criteria provided, single submitter. Criteria: ACMG Guidelines, 2015. Collection method: clinical testing. Allele origin: maternal. Inheritance: Autosomal dominant inheritance. Affected: yes.
Comment: This frameshift mutation is categorized as deleterious according to ACMG guidelines (PMID:18414213).

Literature cited by the submitters: PubMed 25326635.

NM_013275.6(ANKRD11):c.5065del (p.Leu1689fs)

Gene: ANKRD11 (ankyrin repeat domain 11; minus strand). Cytogenetic location: 16q24.3.
Variant type: Deletion.
Coding change: c.5065del on transcript NM_013275.6 (MANE Select); coding-DNA position 5065, one base deleted (C; older notation c.5065delC).
Protein change: p.Leu1689fs; shifts the reading frame from leucine 1689.
Molecular consequence: frameshift variant.
Genome position (GRCh38, 1-based): chr16:89,281,477, G deleted on the plus strand (C on the coding strand, the reverse complement: ANKRD11 is on the minus strand); the first of 2 consecutive G bases (chr16:89,281,477-89,281,478); deleting either gives the same sequence. VCF-style (leftmost placement, unchanged base first): chr16-89281476-AG-A. GRCh37 (hg19) VCF-style: chr16-89347884-AG-A.
Other names: c.5065del, p.Leu1689fs (NM_001256182.2, NM_001256183.2); short protein forms L1689fs.
Identifiers: ClinVar variation 560942 (VCV000560942.2), dbSNP rs1567566026, ClinGen allele CA658824860.
Genomic context (GRCh38, chr16:89,281,476, plus strand): 5'-ACCGACGTAGGGGTGGGCACGCCAGTGGGCCGGCTCTGGTCAGGCCTGGGGGACGCAGGC[AG>A]GACCTCTTTCATGTGAGGGCCTGCCAGCCAGTCTTTGGAGTCTGCACCTGATGCTGGGTG-3'